The following is an entry in ClinVar:

ClinVar aggregate classification (germline): Conflicting classifications of pathogenicity. Review status: criteria provided, conflicting classifications (1 of 4 stars). 3 submissions from 3 submitters: Likely pathogenic (1); Uncertain significance (1). 1 of the submissions does not count toward it. Last evaluated 2023-07-28.

Conditions:
ORC1-related disorder. Also called: ORC1-related condition.
Meier-Gorlin syndrome 1 (MGORS1). Also called: EAR, PATELLA, SHORT STATURE SYNDROME. Identifiers: Orphanet 2554, MedGen C4552001, MONDO:0009143, OMIM 224690.

Allele frequency attached by ClinVar (database versions not stated): gnomAD 0.00001; TOPMed 0.00001; gnomAD exomes below 0.00001.
gnomAD v4.1: 7 of 1,614,150 alleles (0.00043%); highest among the groups gnomAD compares: Non-Finnish European, 0.00059%; no homozygotes.

Submissions (3):

PreventionGenetics, part of Exact Sciences
Classification: Likely pathogenic for ORC1-related condition. Last evaluated: 2023-07-28. Review status: criteria provided, single submitter. Criteria: ACMG Guidelines, 2015. Collection method: clinical testing. Allele origin: germline.
Comment: The ORC1 c.266T>C variant is predicted to result in the amino acid substitution p.Phe89Ser. This variant was reported in the homozygous state in two apparently unrelated individuals with microcephalic primordial dwarfism and/or Meier–Gorlin syndrome (Bicknell. 2011. PubMed ID: 21358633; de Munnik. 2012. PubMed ID: 22333897; Vojtková. 2019. PubMed ID: 31274184). This variant is reported in 0.00088% of alleles in individuals of European (Non-Finnish) descent in gnomAD. This variant is interpreted as likely pathogenic.

Labcorp Genetics (formerly Invitae), Labcorp
Classification: Uncertain significance. Last evaluated: 2022-10-30. Review status: criteria provided, single submitter. Criteria: Invitae Variant Classification Sherloc (09022015). Collection method: clinical testing. Allele origin: germline.
Comment: This sequence change replaces phenylalanine, which is neutral and non-polar, with serine, which is neutral and polar, at codon 89 of the ORC1 protein (p.Phe89Ser). This variant is present in population databases (rs387906827, gnomAD 0.0009%). This missense change has been observed in individuals with Meier-Gorlin syndrome (PMID: 21358633, 31274184). ClinVar contains an entry for this variant (Variation ID: 30231). Advanced modeling of protein sequence and biophysical properties (such as structural, functional, and spatial information, amino acid conservation, physicochemical variation, residue mobility, and thermodynamic stability) performed at Invitae indicates that this missense variant is expected to disrupt ORC1 protein function. Experimental studies are conflicting or provide insufficient evidence to determine the effect of this variant on ORC1 function (PMID: 22855792). In summary, the available evidence is currently insufficient to determine the role of this variant in disease. Therefore, it has been classified as a Variant of Uncertain Significance.

OMIM
Classification: Pathogenic for MEIER-GORLIN SYNDROME 1. Last evaluated: 2011-02-27. Review status: no assertion criteria provided. Collection method: literature only. Allele origin: germline. Not counted in ClinVar's aggregate classification.

Literature cited by the submitters: PubMed 21358633 (cited by Labcorp Genetics (formerly Invitae), Labcorp and OMIM); PubMed 31274184 (cited by Labcorp Genetics (formerly Invitae), Labcorp); PubMed 22855792 (cited by Labcorp Genetics (formerly Invitae), Labcorp).

NM_004153.4(ORC1):c.266T>C (p.Phe89Ser)

Gene: ORC1 (origin recognition complex subunit 1; minus strand). Cytogenetic location: 1p32.3.
Variant type: single nucleotide variant.
Coding change: c.266T>C on transcript NM_004153.4 (MANE Select); coding-DNA position 266, T replaced by C.
Protein change: p.Phe89Ser; replaces phenylalanine 89 with serine.
Molecular consequence: missense variant.
Genome position (GRCh38, 1-based): chr1:52,397,821, A>G on the plus strand (T>C on the coding strand, the complement: ORC1 is on the minus strand). VCF-style: chr1-52397821-A-G. GRCh37 (hg19) VCF-style: chr1-52863493-A-G.
Other names: c.266T>C (NM_004153.3); c.266T>C, p.Phe89Ser (NM_001190818.2, NM_001190819.2); short protein forms F89S.
Identifiers: ClinVar variation 30231 (VCV000030231.3), dbSNP rs387906827, ClinGen allele CA129043.